The following is an entry in ClinVar:

ClinVar aggregate classification (germline): Pathogenic/Likely pathogenic. Review status: criteria provided, multiple submitters, no conflicts (2 of 4 stars). 2 submissions from 2 submitters: Pathogenic (1); Likely pathogenic (1). Last evaluated 2019-07-01.

Conditions:
Autosomal recessive limb-girdle muscular dystrophy type 2B (LGMDR2). Also called: Limb-Girdle Muscular Dystrophy Type 2B (LGMD2B); MUSCULAR DYSTROPHY, LIMB-GIRDLE, TYPE 3; Limb-girdle muscular dystrophy, type 2B; MUSCULAR DYSTROPHY, LIMB-GIRDLE, AUTOSOMAL RECESSIVE 2. Identifiers: Orphanet 268, MedGen C1850889, MONDO:0009676, OMIM 253601.

Submissions (2):

James R Lupski Laboratory, Baylor College Of Medicine
Classification: Pathogenic for Autosomal recessive limb-girdle muscular dystrophy type 2B. Last evaluated: 2019-07-01. Review status: criteria provided, single submitter. Criteria: ACMG Guidelines, 2015. Collection method: research. Allele origin: germline. Inheritance: Autosomal recessive inheritance. Affected: yes. Observed: 2 variant alleles, 2 homozygotes. Clinical features observed: EMG: myopathic abnormalities (HP:0003458), Difficulty running (HP:0009046), Increased variability in muscle fiber diameter (HP:0003557).

Broad Center for Mendelian Genomics, Broad Institute of MIT and Harvard
Classification: Likely pathogenic for Autosomal recessive limb-girdle muscular dystrophy type 2B. Last evaluated: 2018-12-03. Review status: criteria provided, single submitter. Criteria: ACMG Guidelines, 2015. Collection method: research. Allele origin: germline. Inheritance: Autosomal recessive inheritance. Affected: yes.
Comment: The homozygous p.Lys1394ArgfsTer14 variant in DYSF was identified by our study in two unrelated individuals with limb-girdle muscular dystrophy (LGMD). This variant was absent from large population studies. This variant is predicted to cause a frameshift, which alters the protein's amino acid sequence beginning at position 1394 and leads to a premature termination codon 14 amino acids downstream. This alteration is then predicted to lead to a truncated or absent protein. Loss of function of the DYSF gene is an established disease mechanism in autosomal recessive LGMD, and this is a loss of function variant. In summary, although additional studies are required to fully establish its clinical significance, the p.Lys1394ArgfsTer14 variant is likely pathogenic. ACMG/AMP Criteria applied: PM2, PVS1 (Richards 2015).

NM_001130987.2(DYSF):c.4179del (p.Lys1394fs)

Gene: DYSF (dysferlin; plus strand). Cytogenetic location: 2p13.2.
Variant type: Deletion.
Coding change: c.4179del on transcript NM_001130987.2 (MANE Select); coding-DNA position 4179, one base deleted (G; older notation c.4179delG).
Protein change: p.Lys1394fs; shifts the reading frame from lysine 1394.
Molecular consequence: frameshift variant.
Genome position (GRCh38, 1-based): chr2:71,611,584, G deleted; the last of 2 consecutive G bases (chr2:71,611,583-71,611,584); deleting either gives the same sequence. VCF-style (leftmost placement, unchanged base first): chr2-71611582-CG-C. GRCh37 (hg19) VCF-style: chr2-71838712-CG-C.
Other names: c.4128del, p.Lys1377fs (NM_001130455.2, NM_001130983.2); c.4083del, p.Lys1362fs (NM_001130976.2, NM_001130977.2); c.4125del, p.Lys1376fs (NM_001130978.2, NM_003494.4); c.4218del, p.Lys1407fs (NM_001130979.2); c.4176del, p.Lys1393fs (NM_001130980.2, NM_001130981.2); c.4221del, p.Lys1408fs (NM_001130982.2); c.4086del, p.Lys1363fs (NM_001130984.2, NM_001130986.2); c.4179del, p.Lys1394fs (NM_001130985.2); short protein forms K1376fs, K1408fs, K1362fs, K1377fs, K1394fs, K1407fs, K1393fs, K1363fs.
Identifiers: ClinVar variation 638577 (VCV000638577.5), dbSNP rs1574340607, ClinGen allele CA658820652.